The following is an entry in ClinVar:

ClinVar aggregate classification (germline): Benign/Likely benign. Review status: criteria provided, multiple submitters, no conflicts (2 of 4 stars). 4 submissions from 4 submitters: Benign (1); Likely benign (2). 1 of the submissions does not count toward it. Last evaluated 2025-11-01.

Conditions:
TBX2-related disorder. Also called: TBX2-related condition.

Allele frequency attached by ClinVar (database versions not stated): gnomAD 0.00294 and 0.00275; TOPMed 0.00302; 1000 Genomes Project 30x 0.00312; ESP Exome Variant Server 0.00316; 1000 Genomes Project 0.00280.
gnomAD v4.1: 831 of 1,567,162 alleles (0.053%); highest among the groups gnomAD compares: African/African-American, 1%; 5 homozygotes.

Submissions (4):

CeGaT Center for Human Genetics Tuebingen
Classification: Likely benign. Last evaluated: 2025-11-01. Review status: criteria provided, single submitter. Criteria: CeGaT Center For Human Genetics Tuebingen Variant Classification Criteria Version 2. Collection method: clinical testing. Allele origin: germline. Affected: yes. Observed: 1 variant allele.
Comment: TBX2: BP4, BP7

Blueprint Genetics
Classification: Likely benign. Last evaluated: 2024-11-06. Review status: criteria provided, single submitter. Criteria: ACMG Guidelines, 2015. Collection method: clinical testing. Allele origin: germline.

Labcorp Genetics (formerly Invitae), Labcorp
Classification: Benign. Last evaluated: 2019-12-31. Review status: criteria provided, single submitter. Criteria: Invitae Variant Classification Sherloc (09022015). Collection method: clinical testing. Allele origin: germline.

PreventionGenetics, part of Exact Sciences
Classification: Benign for TBX2-related condition. Last evaluated: 2020-01-02. Review status: no assertion criteria provided. Collection method: clinical testing. Allele origin: germline. Not counted in ClinVar's aggregate classification.
Comment: This variant is classified as benign based on ACMG/AMP sequence variant interpretation guidelines (Richards et al. 2015 PMID: 25741868, with internal and published modifications).

NM_005994.4(TBX2):c.1125G>A (p.Pro375=)

Gene: TBX2 (T-box transcription factor 2; plus strand). Cytogenetic location: 17q23.2.
Variant type: single nucleotide variant.
Coding change: c.1125G>A on transcript NM_005994.4 (MANE Select); coding-DNA position 1125, G replaced by A.
Protein change: p.Pro375=; no amino-acid change (proline 375 retained).
Molecular consequence: synonymous variant.
Genome position (GRCh38, 1-based): chr17:61,405,275, G>A. VCF-style: chr17-61405275-G-A. GRCh37 (hg19) VCF-style: chr17-59482636-G-A.
Identifiers: ClinVar variation 735916 (VCV000735916.13), dbSNP rs372178366, ClinGen allele CA8689328.